The following is an entry in ClinVar:

ClinVar aggregate classification (germline): Uncertain significance (1 of 4 stars; one submission).

Submission:

Labcorp Genetics (formerly Invitae), Labcorp
Classification: Uncertain significance. Last evaluated: 2023-12-20. Review status: criteria provided, single submitter. Criteria: Invitae Variant Classification Sherloc (09022015). Collection method: clinical testing. Allele origin: unknown.
Comment: This variant is a gross deletion of the genomic region encompassing exon(s) 14-15 of the CDC14A gene, which includes the termination codon. This deletion extends beyond the assayed region for this gene and therefore may encompass additional genes. While this deletion is not anticipated to lead to nonsense mediated decay, it is expected to alter mRNA translation or result in a truncated protein product. This variant has not been reported in the literature in individuals affected with CDC14A-related conditions. Experimental studies and prediction algorithms are not available or were not evaluated, and the functional significance of this variant is currently unknown. In summary, the available evidence is currently insufficient to determine the role of this variant in disease. Therefore, it has been classified as a Variant of Uncertain Significance.

NC_000001.10:g.(?_100963621)_(100964935_?)del

Gene: CDC14A (cell division cycle 14A; plus strand). Cytogenetic location: 1p21.2.
Variant type: Deletion.
Identifiers: ClinVar variation 3248021 (VCV003248021.1).